The following is an entry in ClinVar:

NM_145239.3(PRRT2):c.-65-1G>A

Genes: PRRT2 (proline rich transmembrane protein 2; plus strand), MVP-DT (MVP divergent transcript; minus strand). Cytogenetic location: 16p11.2.
Variant type: single nucleotide variant.
Coding change: c.-65-1G>A on transcript NM_145239.3 (MANE Select); the canonical splice acceptor site of the intron before 65 bases upstream of the start codon, G replaced by A.
Molecular consequence: splice acceptor variant.
Genome position (GRCh38, 1-based): chr16:29,812,989, G>A. VCF-style: chr16-29812989-G-A. GRCh37 (hg19) VCF-style: chr16-29824310-G-A.
Other names: NC_000016.10(NM_145239.3):c.-65-1G>A; NM_145239.3:IVS1-1G>A; NM_145239.3:c.-65-1G>A; c.-65-1G>A (NM_001256443.2, NM_001256442.2).
Identifiers: ClinVar variation 1333727 (VCV001333727.1), dbSNP rs1900052727, ClinGen allele CA2573054215.

ClinVar aggregate classification (germline): Pathogenic (1 of 4 stars; one submission).

Conditions:
Seizures, benign familial infantile, 2 (BFIS2). Also called: CONVULSIONS, BENIGN FAMILIAL INFANTILE, 2. Identifiers: Orphanet 306, MedGen C1853995, MONDO:0011593, OMIM 605751.

Submission:

Experimental Epileptology, AG Lerche, Hertie Institute for Clinical Brain Research
Classification: Pathogenic for Seizures, benign familial infantile, 2. Last evaluated: 2022-01-13. Review status: criteria provided, single submitter. Criteria: ACMG Guidelines, 2015. Collection method: research. Allele origin: biparental. Inheritance: Autosomal recessive inheritance. Affected: yes. Observed: 1 homozygote.
Comment: ACMG/AMP criteria: PVS1, PM2, PP1M